The following is an entry in ClinVar:

ClinVar aggregate classification (germline): Uncertain significance. Review status: criteria provided, multiple submitters, no conflicts (2 of 4 stars). 2 submissions from 2 submitters: Uncertain significance (2). Last evaluated 2026-01-02.

Conditions:
Inborn genetic diseases. Identifiers: MedGen C0950123, MeSH D030342.

Allele frequency attached by ClinVar (database versions not stated): ExAC 0.00001; gnomAD exomes 0.00002.
gnomAD v4.1: 26 of 1,613,964 alleles (0.0016%); highest among the groups gnomAD compares: Non-Finnish European, 0.000085%; no homozygotes.

Submissions (2):

Labcorp Genetics (formerly Invitae), Labcorp
Classification: Uncertain significance. Last evaluated: 2026-01-02. Review status: criteria provided, single submitter. Criteria: Invitae Variant Classification Sherloc (09022015). Collection method: clinical testing. Allele origin: germline.
Comment: This sequence change replaces proline, which is neutral and non-polar, with threonine, which is neutral and polar, at codon 1244 of the DCHS1 protein (p.Pro1244Thr). This variant is present in population databases (rs762839103, gnomAD 0.04%). This variant has not been reported in the literature in individuals affected with DCHS1-related conditions. ClinVar contains an entry for this variant (Variation ID: 1937735). Invitae Evidence Modeling of protein sequence and biophysical properties (such as structural, functional, and spatial information, amino acid conservation, physicochemical variation, residue mobility, and thermodynamic stability) indicates that this missense variant is not expected to disrupt DCHS1 protein function with a negative predictive value of 80%. In summary, the available evidence is currently insufficient to determine the role of this variant in disease. Therefore, it has been classified as a Variant of Uncertain Significance.

Ambry Genetics
Classification: Uncertain significance for Inborn genetic diseases. Last evaluated: 2024-05-02. Review status: criteria provided, single submitter. Criteria: Ambry Variant Classification Scheme 2023. Collection method: clinical testing. Allele origin: germline.

NM_003737.4(DCHS1):c.3730C>A (p.Pro1244Thr)

Gene: DCHS1 (dachsous cadherin-related 1; minus strand). Cytogenetic location: 11p15.4.
Variant type: single nucleotide variant.
Coding change: c.3730C>A on transcript NM_003737.4 (MANE Select); coding-DNA position 3730, C replaced by A.
Protein change: p.Pro1244Thr; replaces proline 1244 with threonine.
Molecular consequence: missense variant.
Genome position (GRCh38, 1-based): chr11:6,631,353, G>T on the plus strand (C>A on the coding strand, the complement: DCHS1 is on the minus strand). VCF-style: chr11-6631353-G-T. GRCh37 (hg19) VCF-style: chr11-6652584-G-T.
Other names: c.3730C>A (NM_003737.2); short protein forms P1244T.
Identifiers: ClinVar variation 1937735 (VCV001937735.6), dbSNP rs762839103, ClinGen allele CA5860447.